The following is an entry in ClinVar:

ClinVar aggregate classification (germline): Uncertain significance. Review status: criteria provided, multiple submitters, no conflicts (2 of 4 stars). 2 submissions from 2 submitters: Uncertain significance (2). Last evaluated 2025-02-22.

Conditions:
Inborn genetic diseases. Identifiers: MedGen C0950123, MeSH D030342.

Allele frequency attached by ClinVar (database versions not stated): gnomAD exomes below 0.00001; TOPMed below 0.00001; ExAC 0.00001; gnomAD 0.00001.

Submissions (2):

Ambry Genetics
Classification: Uncertain significance for Inborn genetic diseases. Last evaluated: 2025-02-22. Review status: criteria provided, single submitter. Criteria: Ambry Variant Classification Scheme 2023. Collection method: clinical testing. Allele origin: germline.

Labcorp Genetics (formerly Invitae), Labcorp
Classification: Uncertain significance. Last evaluated: 2023-10-03. Review status: criteria provided, single submitter. Criteria: Invitae Variant Classification Sherloc (09022015). Collection method: clinical testing. Allele origin: germline.
Comment: This sequence change replaces threonine, which is neutral and polar, with asparagine, which is neutral and polar, at codon 1709 of the BPTF protein (p.Thr1709Asn). This variant is present in population databases (rs750626624, gnomAD 0.002%). This variant has not been reported in the literature in individuals affected with BPTF-related conditions. ClinVar contains an entry for this variant (Variation ID: 2111255). An algorithm developed to predict the effect of missense changes on protein structure and function (PolyPhen-2) suggests that this variant is likely to be disruptive. In summary, the available evidence is currently insufficient to determine the role of this variant in disease. Therefore, it has been classified as a Variant of Uncertain Significance.

NM_182641.4(BPTF):c.4748C>A (p.Thr1583Asn)

Gene: BPTF (bromodomain PHD finger transcription factor; plus strand). Cytogenetic location: 17q24.2.
Variant type: single nucleotide variant.
Coding change: c.4748C>A on transcript NM_182641.4 (MANE Select); coding-DNA position 4748, C replaced by A.
Protein change: p.Thr1583Asn; replaces threonine 1583 with asparagine.
Molecular consequence: missense variant.
Genome position (GRCh38, 1-based): chr17:67,912,632, C>A. VCF-style: chr17-67912632-C-A. GRCh37 (hg19) VCF-style: chr17-65908748-C-A.
Other names: c.5126C>A, p.Thr1709Asn (NM_004459.7); c.4748C>A (NM_182641.3); short protein forms T1709N, T1583N.
Identifiers: ClinVar variation 2111255 (VCV002111255.5), dbSNP rs750626624, ClinGen allele CA8725854.
Genomic context (GRCh38, chr17:67,912,632, plus strand): 5'-ATGAAAATGGTCTGCCCATCAACAAAAATGAAAATGTCAATGGAGAATCTAAAAGAAAAA[C>A]CGTCATCACAGAAGTCACCACGATGACCTCCACAGTGGCCACAGAATCAAAAACTGTGAT-3'
Protein context (NP_872579.2, residues 1573-1593): ENVNGESKRK[Thr1583Asn]VITEVTTMTS